The following is an entry in ClinVar:

NM_024312.5(GNPTAB):c.998T>A (p.Leu333Ter)

Gene: GNPTAB (N-acetylglucosamine-1-phosphate transferase subunits alpha and beta; minus strand). Cytogenetic location: 12q23.2.
Variant type: single nucleotide variant.
Coding change: c.998T>A on transcript NM_024312.5 (MANE Select); coding-DNA position 998, T replaced by A.
Protein change: p.Leu333Ter; replaces leucine 333 with a stop codon.
Molecular consequence: nonsense.
Genome position (GRCh38, 1-based): chr12:101,770,521, A>T on the plus strand (T>A on the coding strand, the complement: GNPTAB is on the minus strand). VCF-style: chr12-101770521-A-T. GRCh37 (hg19) VCF-style: chr12-102164299-A-T.
Other names: short protein forms L333*.
Identifiers: ClinVar variation 1724205 (VCV001724205.3), dbSNP rs2547961437, ClinGen allele CA386303255.
Genomic context (GRCh38, chr12:101,770,521, plus strand): 5'-TGCCCGTTGGTGACAATGAAAATATTCCGAACCCATGGTGCATGCCTCTCGATAGATCGC[A>T]ATGAGTACCTCAGTTCTTCGTTATCTTCAAAACGACTGGCAGAGATGTCTTCATCCTGCT-3'

ClinVar aggregate classification (germline): Likely pathogenic (1 of 4 stars; one submission).

Conditions:
GNPTAB-mucolipidosis. Also called: UDP-N-acetylglucosamine-1-phosphotransferase subunit alpha/beta deficiency. Identifiers: MedGen CN322573, MONDO:0100122.

Submission:

Myriad Genetics, Inc.
Classification: Likely pathogenic for GNPTAB-mucolipidosis. Last evaluated: 2022-02-01. Review status: criteria provided, single submitter. Criteria: Myriad Autosomal Dominant, Autosomal Recessive and X-Linked Classification Criteria (2023). Collection method: clinical testing. Allele origin: unknown.
Comment: NM_024312.4(GNPTAB):c.998T>A(L333*) is expected to be pathogenic in the context of GNPTAB-related disorders. This variant is predicted to lead to an abnormal or absent protein product due to the creation of a premature termination codon in GNPTAB, a gene where loss-of-function variants are known to be pathogenic. Please note: this variant was assessed in the context of healthy population screening.